The following is an entry in ClinVar:

NM_001130144.3(LTBP3):c.503C>A (p.Ala168Glu)

Gene: LTBP3 (latent transforming growth factor beta binding protein 3; minus strand). Cytogenetic location: 11q13.1.
Variant type: single nucleotide variant.
Coding change: c.503C>A on transcript NM_001130144.3 (MANE Select); coding-DNA position 503, C replaced by A.
Protein change: p.Ala168Glu; replaces alanine 168 with glutamic acid.
Molecular consequence: missense variant.
Genome position (GRCh38, 1-based): chr11:65,554,209, G>T on the plus strand (C>A on the coding strand, the complement: LTBP3 is on the minus strand). VCF-style: chr11-65554209-G-T. GRCh37 (hg19) VCF-style: chr11-65321680-G-T.
Other names: c.152C>A, p.Ala51Glu (NM_001164266.1); c.503C>A, p.Ala168Glu (NM_021070.4); short protein forms A51E, A168E.
Identifiers: ClinVar variation 4049886 (VCV004049886.1).

ClinVar aggregate classification (germline): Uncertain significance (1 of 4 stars; one submission).

Conditions:
Inborn genetic diseases. Identifiers: MedGen C0950123, MeSH D030342.

gnomAD v4.1: 3 of 1,610,424 alleles (0.00019%); highest among the groups gnomAD compares: African/African-American, 0.0027%; no homozygotes.

Submission:

Ambry Genetics
Classification: Uncertain significance for Inborn genetic diseases. Last evaluated: 2025-05-30. Review status: criteria provided, single submitter. Criteria: Ambry Variant Classification Scheme 2023. Collection method: clinical testing. Allele origin: germline.
Comment: The p.A168E variant (also known as c.503C>A), located in coding exon 2 of the LTBP3 gene, results from a C to A substitution at nucleotide position 503. The alanine at codon 168 is replaced by glutamic acid, an amino acid with dissimilar properties. This amino acid position is conserved. In addition, this alteration is predicted to be tolerated by in silico analysis. Based on the available evidence, the clinical significance of this variant remains unclear.